The following is an entry in ClinVar:

NM_004054.4(C3AR1):c.563A>G (p.Tyr188Cys)

Gene: C3AR1 (complement C3a receptor 1; minus strand). Cytogenetic location: 12p13.31.
Variant type: single nucleotide variant.
Coding change: c.563A>G on transcript NM_004054.4 (MANE Select); coding-DNA position 563, A replaced by G.
Protein change: p.Tyr188Cys; replaces tyrosine 188 with cysteine.
Molecular consequence: missense variant.
Genome position (GRCh38, 1-based): chr12:8,059,623, T>C on the plus strand (A>G on the coding strand, the complement: C3AR1 is on the minus strand). VCF-style: chr12-8059623-T-C. GRCh37 (hg19) VCF-style: chr12-8212219-T-C.
Other names: c.563A>G, p.Tyr188Cys (NM_001326475.2, NM_001326477.2); short protein forms Y188C.
Identifiers: ClinVar variation 2632740 (VCV002632740.1), dbSNP rs2498115409, ClinGen allele CA383798422.

ClinVar aggregate classification (germline): Uncertain significance (1 of 4 stars; one submission).

Conditions:
C3AR1-related disorder. Also called: C3AR1-related condition.

Submission:

PreventionGenetics, part of Exact Sciences
Classification: Uncertain significance for C3AR1-related condition. Last evaluated: 2023-06-02. Review status: criteria provided, single submitter. Criteria: ACMG Guidelines, 2015. Collection method: clinical testing. Allele origin: germline.
Comment: The C3AR1 c.563A>G variant is predicted to result in the amino acid substitution p.Tyr188Cys. To our knowledge, this variant has not been reported in the literature or in a large population database, indicating this variant is rare. At this time, the clinical significance of this variant is uncertain due to the absence of conclusive functional and genetic evidence.